The following is an entry in ClinVar:

NM_004684.6(SPARCL1):c.262G>T (p.Gly88Cys)

Gene: SPARCL1 (SPARC like 1; minus strand). Cytogenetic location: 4q22.1.
Variant type: single nucleotide variant.
Coding change: c.262G>T on transcript NM_004684.6 (MANE Select); coding-DNA position 262, G replaced by T.
Protein change: p.Gly88Cys; replaces glycine 88 with cysteine.
Molecular consequence: missense variant. On other transcripts: 5 prime UTR variant (2).
Genome position (GRCh38, 1-based): chr4:87,494,538, C>A on the plus strand (G>T on the coding strand, the complement: SPARCL1 is on the minus strand). VCF-style: chr4-87494538-C-A. GRCh37 (hg19) VCF-style: chr4-88415690-C-A.
Other names: c.262G>T, p.Gly88Cys (NM_001128310.3); c.-114G>T (NM_001291976.2, NM_001291977.2); short protein forms G88C.
Identifiers: ClinVar variation 4994171 (VCV004994171.1).

ClinVar aggregate classification (germline): Uncertain significance (1 of 4 stars; one submission).

Conditions:
SPARCL1-related disorder. Also called: SPARCL1-related condition.

Submission:

PreventionGenetics, part of Exact Sciences
Classification: Uncertain significance for SPARCL1-related condition. Last evaluated: 2025-10-15. Review status: criteria provided, single submitter. Criteria: ACMG Guidelines, 2015. Collection method: clinical testing. Allele origin: germline.
Comment: The SPARCL1 c.262G>T variant is predicted to result in the amino acid substitution p.Gly88Cys. To our knowledge, this variant has not been reported in the literature or in a large population database (gnomAD), indicating this variant is rare. At this time, the clinical significance of this variant is uncertain due to the absence of conclusive functional and genetic evidence.